The following is an entry in ClinVar:

ClinVar aggregate classification (germline): Pathogenic (1 of 4 stars; one submission).

Conditions:
Pyruvate dehydrogenase E3-binding protein deficiency (PDHXD). Also called: E3-Binding Protein (Component X) Deficiency; LACTIC ACIDEMIA DUE TO DEFECT IN LIPOYL-CONTAINING COMPONENT X OF THE PYRUVATE DEHYDROGENASE COMPLEX; PYRUVATE HYDROGENASE E3-BINDING PROTEIN DEFICIENCY; Lacticacidemia due to PDX1 deficiency. Identifiers: Orphanet 255182, MedGen C1855553, MONDO:0009503, OMIM 245349.

Submission:

3billion
Classification: Pathogenic for Pyruvate dehydrogenase E3-binding protein deficiency. Last evaluated: 2023-12-01. Review status: criteria provided, single submitter. Criteria: ACMG Guidelines, 2015. Collection method: clinical testing. Allele origin: germline. Affected: yes.
Comment: The variant is not observed in the gnomAD v2.1.1 dataset. Predicted Consequence/Location: Stop-gained (nonsense): predicted to result in a loss or disruption of normal protein function through nonsense-mediated decay (NMD) or protein truncation. Multiple pathogenic variants are reported downstream of the variant. Therefore, this variant is classified as Pathogenic according to the recommendation of ACMG/AMP guideline.

NM_003477.3(PDHX):c.148C>T (p.Gln50Ter)

Genes: PDHX (pyruvate dehydrogenase complex component X; plus strand), LOC130005549 (ATAC-STARR-seq lymphoblastoid active region 4608; plus strand). Cytogenetic location: 11p13.
Variant type: single nucleotide variant.
Coding change: c.148C>T on transcript NM_003477.3 (MANE Select); coding-DNA position 148, C replaced by T.
Protein change: p.Gln50Ter; replaces glutamine 50 with a stop codon.
Molecular consequence: nonsense. On other transcripts: intron variant (1).
Genome position (GRCh38, 1-based): chr11:34,916,803, C>T. VCF-style: chr11-34916803-C-T. GRCh37 (hg19) VCF-style: chr11-34938350-C-T.
Other names: c.148C>T, p.Gln50Ter (NM_001166158.2); c.-21+317C>T (NM_001135024.2); short protein forms Q50*.
Identifiers: ClinVar variation 3775772 (VCV003775772.1).